The following is an entry in ClinVar:

ClinVar aggregate classification (germline): Uncertain significance (1 of 4 stars; one submission).

Conditions:
Netherton syndrome (NETH). Also called: COMEL-NETHERTON SYNDROME; NETHERTON DISEASE; ERYTHRODERMA, ICHTHYOSIFORM, WITH HYPOTRICHOSIS AND HYPER-IgE. Identifiers: Orphanet 634, MedGen C5574950, MONDO:0009735, OMIM 256500.

Allele frequency attached by ClinVar (database versions not stated): gnomAD exomes 0.00001; ExAC 0.00002; gnomAD 0.00008 and 0.00009; TOPMed 0.00008.
gnomAD v4.1: 23 of 1,613,400 alleles (0.0014%); highest among the groups gnomAD compares: African/African-American, 0.025%; no homozygotes.

Submission:

Labcorp Genetics (formerly Invitae), Labcorp
Classification: Uncertain significance for Ichthyosis linearis circumflexa. Last evaluated: 2022-07-06. Review status: criteria provided, single submitter. Criteria: Invitae Variant Classification Sherloc (09022015). Collection method: clinical testing. Allele origin: germline.
Comment: This sequence change replaces alanine, which is neutral and non-polar, with valine, which is neutral and non-polar, at codon 611 of the SPINK5 protein (p.Ala611Val). This variant is present in population databases (rs756226553, gnomAD 0.03%). This variant has not been reported in the literature in individuals affected with SPINK5-related conditions. ClinVar contains an entry for this variant (Variation ID: 1061543). Algorithms developed to predict the effect of missense changes on protein structure and function are either unavailable or do not agree on the potential impact of this missense change (SIFT: "Deleterious"; PolyPhen-2: "Possibly Damaging"; Align-GVGD: "Class C0"). Algorithms developed to predict the effect of sequence changes on RNA splicing suggest that this variant may create or strengthen a splice site. In summary, the available evidence is currently insufficient to determine the role of this variant in disease. Therefore, it has been classified as a Variant of Uncertain Significance.

NM_006846.4(SPINK5):c.1832C>T (p.Ala611Val)

Gene: SPINK5 (serine peptidase inhibitor Kazal type 5; plus strand). Cytogenetic location: 5q32.
Variant type: single nucleotide variant.
Coding change: c.1832C>T on transcript NM_006846.4 (MANE Select); coding-DNA position 1832, C replaced by T.
Protein change: p.Ala611Val; replaces alanine 611 with valine.
Molecular consequence: missense variant.
Genome position (GRCh38, 1-based): chr5:148,112,879, C>T. VCF-style: chr5-148112879-C-T. GRCh37 (hg19) VCF-style: chr5-147492442-C-T.
Other names: c.1832C>T, p.Ala611Val (NM_001127698.2, NM_001127699.2); short protein forms A611V.
Identifiers: ClinVar variation 1061543 (VCV001061543.6), dbSNP rs756226553, ClinGen allele CA3495758.